The following is an entry in ClinVar:

ClinVar aggregate classification (germline): Likely pathogenic (1 of 4 stars; one submission).

Allele frequency attached by ClinVar (database versions not stated): gnomAD 0.00001; TOPMed 0.00001.
gnomAD v4.1: 3 of 1,578,626 alleles (0.00019%); highest among the groups gnomAD compares: African/African-American, 0.004%; no homozygotes.

Submission:

Labcorp Genetics (formerly Invitae), Labcorp
Classification: Likely pathogenic. Last evaluated: 2019-11-27. Review status: criteria provided, single submitter. Criteria: Invitae Variant Classification Sherloc (09022015). Collection method: clinical testing. Allele origin: germline.
Comment: Donor and acceptor splice site variants typically lead to a loss of protein function (PMID: 16199547), and loss-of-function variants in CABP4 are known to be pathogenic (PMID: 25307992). Algorithms developed to predict the effect of sequence changes on RNA splicing suggest that this variant may disrupt the consensus splice site, but this prediction has not been confirmed by published transcriptional studies. This variant has not been reported in the literature in individuals with CABP4-related conditions. This variant is not present in population databases (ExAC no frequency). This sequence change affects an acceptor splice site in intron 3 of the CABP4 gene. It is expected to disrupt RNA splicing and likely results in an absent or disrupted protein product. In summary, the currently available evidence indicates that the variant is pathogenic, but additional data are needed to prove that conclusively. Therefore, this variant has been classified as Likely Pathogenic.

Literature cited by the submitters: PubMed 16199547; PubMed 25307992.

NM_145200.5(CABP4):c.542-2A>C

Gene: CABP4 (calcium binding protein 4; plus strand). Cytogenetic location: 11q13.2.
Variant type: single nucleotide variant.
Coding change: c.542-2A>C on transcript NM_145200.5 (MANE Select); the canonical splice acceptor site of the intron before coding-DNA position 542, A replaced by C.
Molecular consequence: splice acceptor variant.
Genome position (GRCh38, 1-based): chr11:67,457,571, A>C. VCF-style: chr11-67457571-A-C. GRCh37 (hg19) VCF-style: chr11-67225042-A-C.
Other names: c.227-2A>C (NM_001379183.1, NM_001300896.3, NM_001300895.3).
Identifiers: ClinVar variation 844856 (VCV000844856.8), dbSNP rs1355768631, ClinGen allele CA381531121.